The following is an entry in ClinVar:

ClinVar aggregate classification (germline): Conflicting classifications of pathogenicity. Review status: criteria provided, conflicting classifications (1 of 4 stars). 5 submissions from 5 submitters: Pathogenic (1); Likely pathogenic (2); Uncertain significance (1). 1 of the submissions does not count toward it. Last evaluated 2026-04-24.

Conditions:
Multiple mitochondrial dysfunctions syndrome 6. Identifiers: Orphanet 569290, MedGen C4693741, MONDO:0054785, OMIM 617954.
Inborn genetic diseases. Identifiers: MedGen C0950123, MeSH D030342.

Allele frequency attached by ClinVar (database versions not stated): gnomAD exomes 0.00002; gnomAD 0.00005 and 0.00004; TOPMed 0.00005; ExAC 0.00002; ESP Exome Variant Server 0.00023.
gnomAD v4.1: 124 of 1,613,882 alleles (0.0077%); highest among the groups gnomAD compares: Non-Finnish European, 0.0099%; no homozygotes.

Submissions (5):

GeneDx
Classification: Pathogenic. Last evaluated: 2026-04-24. Review status: criteria provided, single submitter. Criteria: GeneDx Variant Classification Process June 2021. Collection method: clinical testing. Allele origin: germline.
Comment: Published functional studies demonstrate a damaging effect: defect in mitochondrial precursor processing under heat shock (PMID: 29576218); In silico analysis supports that this missense variant has a deleterious effect on protein structure/function; This variant is associated with the following publications: (PMID: 35163221, 29576218, 31051112)

Department of Pathology and Laboratory Medicine, Sinai Health System
Classification: Likely pathogenic for Multiple mitochondrial dysfunctions syndrome 6. Last evaluated: 2022-10-03. Review status: criteria provided, single submitter. Criteria: ACMG Guidelines, 2015. Collection method: research. Allele origin: germline.

Greenwood Genetic Center Diagnostic Laboratories, Greenwood Genetic Center
Classification: Uncertain significance. Last evaluated: 2022-02-16. Review status: criteria provided, single submitter. Criteria: ACMG Guidelines, 2015. Collection method: clinical testing. Allele origin: germline. Affected: yes.
Comment: PM2, PP3

Ambry Genetics
Classification: Likely pathogenic for Inborn genetic diseases. Last evaluated: 2021-10-06. Review status: criteria provided, single submitter. Criteria: Ambry Variant Classification Scheme 2023. Collection method: clinical testing. Allele origin: germline.
Comment: The c.601G>C (p.A201P) alteration is located in coding exon 5 of the PMPCB gene. This alteration results from a G to C substitution at nucleotide position 601, causing the alanine (A) at amino acid position 201 to be replaced by a proline (P). Based on data from gnomAD, the C allele has an overall frequency of <0.01% (9/282768) total alleles studied. This alteration has been reported, in trans with c.523C>T (p.R175C), in two affected individuals with developmental regression, seizures, abnormal brain MRI, elevated serum lactate, and inability to walk (V&ouml;gtle, 2018). This amino acid position is highly conserved in available vertebrate species. Functional analysis of the yeast Mas1 homologous p.A201P alteration showed a defect in mitochondrial precursor processing under heat shock. Additionally, muscle biopsy from one affected individual heterozygous for this variant in trans with c.523C>T (p.R175C) showed severely decreased complex II activity, as well as deficient activity of both the cytosolic and mitochondrial aconitase enzymes (V&ouml;gtle, 2018). The in silico prediction for this alteration is inconclusive. Based on the available evidence, this alteration is classified as likely pathogenic.

OMIM
Classification: Pathogenic for MULTIPLE MITOCHONDRIAL DYSFUNCTIONS SYNDROME 6. Last evaluated: 2018-08-29. Review status: no assertion criteria provided. Collection method: literature only. Allele origin: germline. Not counted in ClinVar's aggregate classification.

Literature cited by the submitters: PubMed 29576218 (cited by Ambry Genetics and OMIM).

NM_004279.3(PMPCB):c.601G>C (p.Ala201Pro)

Gene: PMPCB (peptidase, mitochondrial processing subunit beta; plus strand). Cytogenetic location: 7q22.1.
Variant type: single nucleotide variant.
Coding change: c.601G>C on transcript NM_004279.3 (MANE Select); coding-DNA position 601, G replaced by C.
Protein change: p.Ala201Pro; replaces alanine 201 with proline.
Molecular consequence: missense variant.
Genome position (GRCh38, 1-based): chr7:103,303,985, G>C. VCF-style: chr7-103303985-G-C. GRCh37 (hg19) VCF-style: chr7-102944432-G-C.
Other names: A210P; short protein forms A201P.
Identifiers: ClinVar variation 523139 (VCV000523139.12), dbSNP rs146343535, ClinGen allele CA4418001.